The following is an entry in ClinVar:

ClinVar aggregate classification (germline): Conflicting classifications of pathogenicity. Review status: criteria provided, conflicting classifications (1 of 4 stars). 3 submissions from 3 submitters: Uncertain significance (1); Likely benign (1). 1 of the submissions does not count toward it. Last evaluated 2025-09-29.

Conditions:
Nemaline myopathy 2 (NEM2). Also called: Nemaline myopathy 2, autosomal recessive. Identifiers: MedGen C1850569, MONDO:0009725, OMIM 256030.

Allele frequency attached by ClinVar (database versions not stated): gnomAD exomes 0.00002; ExAC 0.00003; TOPMed 0.00003.
gnomAD v4.1: 42 of 1,610,148 alleles (0.0026%); highest among the groups gnomAD compares: East Asian, 0.0067%; no homozygotes.

Submissions (3):

Myriad Genetics, Inc.
Classification: Uncertain significance for Nemaline myopathy 2. Last evaluated: 2025-09-29. Review status: criteria provided, single submitter. Criteria: Myriad Autosomal Dominant, Autosomal Recessive and X-Linked Classification Criteria (2023). Collection method: clinical testing. Allele origin: unknown.
Comment: NM_001271208.1(NEB):c.674C>T(P225L) is a missense variant classified as a variant of uncertain significance in the context of NEB-related nemaline myopathy. P225L has been observed in a case with relevant disease (PMID: 32939402). Relevant functional assessments of this variant are not available in the literature. P225L has been observed in referenced population frequency databases. In summary, there is insufficient evidence to classify NM_001271208.1(NEB):c.674C>T(P225L) as pathogenic or benign. Please note: this variant was assessed in the context of healthy population screening.

Labcorp Genetics (formerly Invitae), Labcorp
Classification: Likely benign for Nemaline myopathy 2. Last evaluated: 2025-04-23. Review status: criteria provided, single submitter. Criteria: Invitae Variant Classification Sherloc (09022015). Collection method: clinical testing. Allele origin: germline.

Natera, Inc.
Classification: Uncertain significance for Nemaline myopathy type 2. Last evaluated: 2020-11-17. Review status: no assertion criteria provided. Collection method: clinical testing. Allele origin: germline. Not counted in ClinVar's aggregate classification.

Literature cited by the submitters: PubMed 32939402 (cited by Myriad Genetics, Inc.).

NM_001164508.2(NEB):c.674C>T (p.Pro225Leu)

Gene: NEB (nebulin; minus strand). Cytogenetic location: 2q23.3.
Variant type: single nucleotide variant.
Coding change: c.674C>T on transcript NM_001164508.2 (MANE Select); coding-DNA position 674, C replaced by T.
Protein change: p.Pro225Leu; replaces proline 225 with leucine.
Molecular consequence: missense variant.
Genome position (GRCh38, 1-based): chr2:151,723,425, G>A on the plus strand (C>T on the coding strand, the complement: NEB is on the minus strand). VCF-style: chr2-151723425-G-A. GRCh37 (hg19) VCF-style: chr2-152579939-G-A.
Other names: c.674C>T, p.Pro225Leu (NM_001164507.2, NM_001271208.2, NM_004543.5); short protein forms P225L.
Identifiers: ClinVar variation 1001217 (VCV001001217.11), dbSNP rs770322824, ClinGen allele CA1911826.